The following is an entry in ClinVar:

ClinVar aggregate classification (germline): Pathogenic/Likely pathogenic. Review status: criteria provided, multiple submitters, no conflicts (2 of 4 stars). 13 submissions from 12 submitters: Pathogenic (7); Likely pathogenic (2). 4 of the submissions do not count toward it. Last evaluated 2025-02-05.

Conditions:
NADSYN1-related disorder. Also called: NADSYN1-related condition.
Chondrodysplasia. Identifiers: MedGen C0343284, MONDO:0022723.
Neurodevelopmental delay. Identifiers: MedGen C4022738, HP:0012758.
Congenital NAD deficiency disorder. Identifiers: MedGen CN241975.
Vertebral, cardiac, renal, and limb defects syndrome 3. Also called: CONGENITAL NAD DEFICIENCY DISORDER 3. Identifiers: MedGen C5394250, MONDO:0030077, OMIM 618845.

Allele frequency attached by ClinVar (database versions not stated): 1000 Genomes Project 30x 0.00016; 1000 Genomes Project 0.00020; TOPMed 0.00076; gnomAD 0.00081; ESP Exome Variant Server 0.00131.
gnomAD v4.1: 1,897 of 1,613,954 alleles (0.12%); highest among the groups gnomAD compares: Non-Finnish European, 0.15%; 1 homozygote.

Submissions (13):

Dasa
Classification: Pathogenic. Last evaluated: 2025-02-05. Review status: criteria provided, single submitter. Criteria: DASA Assertion Criteria. Collection method: clinical testing. Allele origin: germline.
Comment: NM_018161.5(NADSYN1):c.1717G>A (p.Ala573Thr) is a missense variant that results in the substitution of alanine with threonine. Segregation evidence has been reported in affected families. This variant has been observed in affected individuals with related phenotype in a genotype context consistent with recessive disease (PMID: 31883644; PMID: 38357931; PMID: 36649848). Functional evidence supports a deleterious effect on the gene or gene product (PMID: 31883644; PMID: 38357931; PMID: 36649848). This variant has been recurrently observed in individuals with related phenotype (PMID: 31883644; PMID: 38357931; PMID: 36649848). Multiple computational predictions support a deleterious effect on the gene or gene product. The variant is present at low frequency in population datasets. Based on the available data, this variant is classified as pathogenic.

CeGaT Center for Human Genetics Tuebingen
Classification: Pathogenic. Last evaluated: 2023-12-01. Review status: criteria provided, single submitter. Criteria: CeGaT Center For Human Genetics Tuebingen Variant Classification Criteria Version 2. Collection method: clinical testing. Allele origin: germline. Affected: yes. Observed: 6 variant alleles.
Comment: NADSYN1: PM3:Very Strong, PM2, PS3:Supporting

Embryology Laboratory, Victor Chang Cardiac Research Institute
Classification: Pathogenic for Vertebral, cardiac, renal, and limb defects syndrome 3. Last evaluated: 2023-05-10. Review status: criteria provided, single submitter. Criteria: ACMG Guidelines, 2015. Collection method: research. Allele origin: maternal, biparental, paternal. Inheritance: Autosomal recessive inheritance. Affected: yes. Observed: 2 compound heterozygotes, 4 homozygotes.
Comment: This variant was found in compound heterozygosity with the likely pathogenic variant c.1759G>A.

Department of Pathology and Laboratory Medicine, Sinai Health System
Classification: Likely pathogenic for Vertebral, cardiac, renal, and limb defects syndrome 3. Last evaluated: 2022-11-01. Review status: criteria provided, single submitter. Criteria: ACMG Guidelines, 2015. Collection method: research. Allele origin: germline.

Revvity Omics, Revvity
Classification: Likely pathogenic for Vertebral, cardiac, renal, and limb defects syndrome 3. Last evaluated: 2022-10-14. Review status: criteria provided, single submitter. Criteria: ACMG Guidelines, 2015. Collection method: clinical testing. Allele origin: germline.

3billion
Classification: Pathogenic for Vertebral, cardiac, renal, and limb defects syndrome 3. Last evaluated: 2022-09-01. Review status: criteria provided, single submitter. Criteria: ACMG Guidelines, 2015. Collection method: clinical testing. Allele origin: germline. Affected: yes. Observed: 1 homozygote.
Comment: The missense variant is observed at an extremely low frequency in the gnomAD v2.1.1 dataset (total allele frequency: 0.074%). Functional studies provide strong evidence that the variant has a damaging effect on the gene or gene product (PMID: 31883644). Same nucleotide change resulting in same amino acid change has been previously reported to be associated with NADSYN1 -related disorder (ClinVar ID: VCV000834710 / PMID: 31883644). The variant has been reported to be in trans with a pathogenic variant as either compound heterozygous or homozygous in at least one similarly affected unrelated individual, and co-segregate with the disease in at least one similarly affected relative/individual in the same family or similarly affected unrelated family (PMID: 31883644). Therefore, this variant is classified as Pathogenic according to the recommendation of ACMG/AMP guideline.

AURAGEN, Plan France Médecine Génomique
Classification: Pathogenic for Chondrodysplasia. Last evaluated: 2020-12-07. Review status: criteria provided, single submitter. Criteria: PFMG2025 (Lancet Reg Health Eur. 2025). Collection method: clinical testing. Allele origin: germline. Affected: yes.

Centre de Biologie Pathologie Génétique, Centre Hospitalier Universitaire de Lille
Classification: Pathogenic for Neurodevelopmental delay. Review status: criteria provided, single submitter. Criteria: ACMG Guidelines, 2015. Collection method: clinical testing. Allele origin: biparental. Affected: yes.

Juno Genomics, Hangzhou Juno Genomics, Inc
Classification: Pathogenic for Vertebral, cardiac, renal, and limb defects syndrome 3. Review status: criteria provided, single submitter. Criteria: ACMG Guidelines, 2015. Collection method: clinical testing. Allele origin: germline.
Comment: Absent from controls (or at extremely low frequency if recessive) in Genome Aggregation Database.;For recessive disorders, detected in trans with a pathogenic variant.;Co-segregation with disease in multiple affected family members.;Well-established in vitro or in vivo functional studies supportive of a damaging effect on the gene or gene product.

Diagnostics Centre, Carl Von Ossietzky University Oldenburg
Classification: Likely pathogenic for Vertebral, cardiac, renal, and limb defects syndrome 3. Last evaluated: 2025-08-11. Review status: no assertion criteria provided. Collection method: clinical testing. Allele origin: germline. Affected: yes. Observed: 1 variant allele. Not counted in ClinVar's aggregate classification.
Comment: The variant NADSYN1:c.1717G>A p.(Ala573Thr), located in the exon 18 of the NADSYN1 gene, results from a guanine-to-adenine substitution at nucleotide position c.1717. The alanine residue at protein position 573 is replaced by a threonine. The affected position is located in the NAD synthase functional domain of the protein. Experimental studies demonstrated that the variant causes a deleterious effect on protein function (PMID: 31883644). The variant has been described in various publications in homozygous or compound heterozygous state in patients with NADSYN1-associated diseases (PMID: 31883644, 38357931). The variant has been as Pathogenic in nine entries in ClinVar (VCV000834710.52). The variant is classified as rare in the general population (MAF 1.4 * e-6 in gnomAD). In summary, the variant is classified as Likely pathogenic.

PreventionGenetics, part of Exact Sciences
Classification: Pathogenic for NADSYN1-related condition. Last evaluated: 2023-11-28. Review status: no assertion criteria provided. Collection method: clinical testing. Allele origin: germline. Not counted in ClinVar's aggregate classification.
Comment: The NADSYN1 c.1717G>A variant is predicted to result in the amino acid substitution p.Ala573Thr. This variant has been reported in both the homozygous and compound heterozygous states to be causative for autosomal recessive vertebral, cardiac, renal, and limb defects syndrome 3, and functional studies support its pathogenicity (VCRL3; OMIM #618845; Szot et al. 2020. PubMed ID: 31883644; Kortbawi et al. 2022. PubMed ID: 35491967). In addition, we have observed this variant in the homozygous state in multiple individuals with features consistent with VCRL3 at PreventionGenetics. In summary, we interpret this variant as pathogenic.

OMIM
Classification: Pathogenic for VERTEBRAL, CARDIAC, RENAL, AND LIMB DEFECTS SYNDROME 3. Last evaluated: 2020-04-10. Review status: no assertion criteria provided. Collection method: literature only. Allele origin: germline. Not counted in ClinVar's aggregate classification.

Embryology Laboratory, Victor Chang Cardiac Research Institute
Classification: Pathogenic for Congenital NAD Deficiency Disorder. Last evaluated: 2019-12-01. Review status: no assertion criteria provided. Collection method: research. Allele origin: inherited. Inheritance: Autosomal recessive inheritance. Affected: yes. Observed: 3 variant alleles, 1 compound heterozygote, 2 homozygotes. Not counted in ClinVar's aggregate classification.
Comment: This variant was also found in compound heterozygosity with the pathogenic variant c.1819del in a different family

Literature cited by the submitters: PubMed 31883644 (cited by 5 submitters); PubMed 38357931 (cited by Dasa and Diagnostics Centre, Carl Von Ossietzky University Oldenburg); PubMed 36649848 (cited by Dasa).

NM_018161.5(NADSYN1):c.1717G>A (p.Ala573Thr)

Gene: NADSYN1 (NAD synthetase 1; plus strand). Cytogenetic location: 11q13.4.
Variant type: single nucleotide variant.
Coding change: c.1717G>A on transcript NM_018161.5 (MANE Select); coding-DNA position 1717, G replaced by A.
Protein change: p.Ala573Thr; replaces alanine 573 with threonine.
Molecular consequence: missense variant.
Genome position (GRCh38, 1-based): chr11:71,491,856, G>A. VCF-style: chr11-71491856-G-A. GRCh37 (hg19) VCF-style: chr11-71202902-G-A.
Other names: c.1717G>A (NM_018161.4); short protein forms A573T.
Identifiers: ClinVar variation 834710 (VCV000834710.60), dbSNP rs144139747, ClinGen allele CA6163622.